The following is an entry in ClinVar:

NM_002049.4(GATA1):c.145G>A (p.Ala49Thr)

Gene: GATA1 (GATA binding protein 1; plus strand). Cytogenetic location: Xp11.23.
Variant type: single nucleotide variant.
Coding change: c.145G>A on transcript NM_002049.4 (MANE Select); coding-DNA position 145, G replaced by A.
Protein change: p.Ala49Thr; replaces alanine 49 with threonine.
Molecular consequence: missense variant.
Genome position (GRCh38, 1-based): chrX:48,791,254, G>A. VCF-style: chrX-48791254-G-A. GRCh37 (hg19) VCF-style: chrX-48649661-G-A.
Other names: short protein forms A49T.
Identifiers: ClinVar variation 1024740 (VCV001024740.9), dbSNP rs781856701, ClinGen allele CA412867061.

ClinVar aggregate classification (germline): Uncertain significance (1 of 4 stars; one submission).

Conditions:
Diamond-Blackfan anemia. Also called: Blackfan Diamond syndrome; Aregenerative anemia chronic congenital; Red cell aplasia, pure hereditary; Congenital hypoplastic anemia; Aase syndrome. Identifiers: Orphanet 124, MedGen C1260899, MeSH D029503, MONDO:0015253, HP:0004810.
GATA binding protein 1 related thrombocytopenia with dyserythropoiesis. Also called: GATA1-Related X-Linked Cytopenia; GATA1-Related Cytopenia. Identifiers: MedGen C1845837, MONDO:0100089.

Submission:

Labcorp Genetics (formerly Invitae), Labcorp
Classification: Uncertain significance for GATA binding protein 1 related thrombocytopenia with dyserythropoiesis; Diamond-Blackfan anemia. Last evaluated: 2020-10-20. Review status: criteria provided, single submitter. Criteria: Invitae Variant Classification Sherloc (09022015). Collection method: clinical testing. Allele origin: germline.
Comment: This sequence change replaces alanine with threonine at codon 49 of the GATA1 protein (p.Ala49Thr). The alanine residue is weakly conserved and there is a small physicochemical difference between alanine and threonine. This variant is not present in population databases (ExAC no frequency). This variant has not been reported in the literature in individuals with GATA1-related conditions. Algorithms developed to predict the effect of missense changes on protein structure and function output the following: SIFT: "Tolerated"; PolyPhen-2: "Benign"; Align-GVGD: "Class C0". The threonine amino acid residue is found in multiple mammalian species, suggesting that this missense change does not adversely affect protein function. These predictions have not been confirmed by published functional studies and their clinical significance is uncertain. In summary, the available evidence is currently insufficient to determine the role of this variant in disease. Therefore, it has been classified as a Variant of Uncertain Significance.